The following is an entry in ClinVar:

ClinVar aggregate classification (germline): Uncertain significance. Review status: criteria provided, multiple submitters, no conflicts (2 of 4 stars). 2 submissions from 2 submitters: Uncertain significance (2). Last evaluated 2023-11-21.

Conditions:
Muscular dystrophy-dystroglycanopathy (congenital with brain and eye anomalies), type A9. Also called: Muscular dystrophy-dystroglycanopathy (congenital with brain and eye anomalies), type a, 9; WALKER-WARBURG SYNDROME OR MUSCLE-EYE BRAIN DISEASE, DAG1-RELATED. Identifiers: Orphanet 370997, Orphanet 899, MedGen C4225291, MONDO:0014683, OMIM 616538.
Autosomal recessive limb-girdle muscular dystrophy type 2P. Also called: Limb-Girdle Muscular Dystrophy Type 9C; MUSCULAR DYSTROPHY, LIMB-GIRDLE, TYPE 2P; MUSCULAR DYSTROPHY-DYSTROGLYCANOPATHY, LIMB-GIRDLE, DAG1-RELATED. Identifiers: Orphanet 280333, MedGen C4511963, MONDO:0013440, OMIM 613818.

Allele frequency attached by ClinVar (database versions not stated): gnomAD exomes below 0.00001; TOPMed below 0.00001; gnomAD 0.00001.
gnomAD v4.1: 1 of 1,614,156 alleles (0.000062%); highest among the groups gnomAD compares: African/African-American, 0.0013%; no homozygotes.

Submissions (2):

Women's Health and Genetics/Laboratory Corporation of America, LabCorp
Classification: Uncertain significance. Last evaluated: 2023-11-21. Review status: criteria provided, single submitter. Criteria: LabCorp Variant Classification Summary - May 2015. Collection method: clinical testing. Allele origin: germline.
Comment: Variant summary: DAG1 c.229T>C (p.Ser77Pro) results in a non-conservative amino acid change located in the Dystroglycan-type cadherin-like (IPR006644) of the encoded protein sequence. Three of five in-silico tools predict a benign effect of the variant on protein function. The variant was absent in 251238 control chromosomes. The available data on variant occurrences in the general population are insufficient to allow any conclusion about variant significance. To our knowledge, no occurrence of c.229T>C in individuals affected with DAG1-Related Disorders and no experimental evidence demonstrating its impact on protein function have been reported. One submitter has cited clinical-significance assessments for this variant to ClinVar after 2014 and has classified the variant as uncertain significance. Based on the evidence outlined above, the variant was classified as uncertain significance.

Labcorp Genetics (formerly Invitae), Labcorp
Classification: Uncertain significance for Autosomal recessive limb-girdle muscular dystrophy type 2P; Muscular dystrophy-dystroglycanopathy (congenital with brain and eye anomalies), type A9. Last evaluated: 2022-07-05. Review status: criteria provided, single submitter. Criteria: Invitae Variant Classification Sherloc (09022015). Collection method: clinical testing. Allele origin: germline.
Comment: This sequence change replaces serine, which is neutral and polar, with proline, which is neutral and non-polar, at codon 77 of the DAG1 protein (p.Ser77Pro). This variant is not present in population databases (gnomAD no frequency). This variant has not been reported in the literature in individuals affected with DAG1-related conditions. ClinVar contains an entry for this variant (Variation ID: 834479). Algorithms developed to predict the effect of missense changes on protein structure and function (SIFT, PolyPhen-2, Align-GVGD) all suggest that this variant is likely to be tolerated. In summary, the available evidence is currently insufficient to determine the role of this variant in disease. Therefore, it has been classified as a Variant of Uncertain Significance.

NM_004393.6(DAG1):c.229T>C (p.Ser77Pro)

Gene: DAG1 (dystroglycan 1; plus strand). Cytogenetic location: 3p21.31.
Variant type: single nucleotide variant.
Coding change: c.229T>C on transcript NM_004393.6 (MANE Select); coding-DNA position 229, T replaced by C.
Protein change: p.Ser77Pro; replaces serine 77 with proline.
Molecular consequence: missense variant.
Genome position (GRCh38, 1-based): chr3:49,510,763, T>C. VCF-style: chr3-49510763-T-C. GRCh37 (hg19) VCF-style: chr3-49548196-T-C.
Other names: c.229T>C, p.Ser77Pro (NM_001165928.4, NM_001177634.3, NM_001177635.3 and 9 more transcripts); short protein forms S77P.
Identifiers: ClinVar variation 834479 (VCV000834479.5), dbSNP rs2050743041, ClinGen allele CA352800856.